The following is an entry in ClinVar:

ClinVar aggregate classification (germline): Conflicting classifications of pathogenicity. Review status: criteria provided, conflicting classifications (1 of 4 stars). 2 submissions from 2 submitters: Uncertain significance (1); Likely benign (1). Last evaluated 2024-12-29.

Conditions:
Oligodontia-cancer predisposition syndrome. Also called: TOOTH AGENESIS-COLORECTAL CANCER SYNDROME. Identifiers: Orphanet 300576, MedGen C1837750, MONDO:0012075, OMIM 608615. Disease mechanism: loss of function.

Submissions (2):

GeneDx
Classification: Uncertain significance. Last evaluated: 2024-12-29. Review status: criteria provided, single submitter. Criteria: GeneDx Variant Classification Process June 2021. Collection method: clinical testing. Allele origin: germline. Affected: yes.
Comment: Not observed at significant frequency in large population cohorts (gnomAD); In silico analysis indicates that this variant does not alter splicing; Has not been previously published as pathogenic or benign to our knowledge

Labcorp Genetics (formerly Invitae), Labcorp
Classification: Likely benign for Oligodontia-cancer predisposition syndrome. Last evaluated: 2018-12-08. Review status: criteria provided, single submitter. Criteria: Invitae Variant Classification Sherloc (09022015). Collection method: clinical testing. Allele origin: germline.

NM_004655.4(AXIN2):c.1287C>G (p.Gly429=)

Gene: AXIN2 (axin 2; minus strand). Cytogenetic location: 17q24.1.
Variant type: single nucleotide variant.
Coding change: c.1287C>G on transcript NM_004655.4 (MANE Select); coding-DNA position 1287, C replaced by G.
Protein change: p.Gly429=; no amino-acid change (glycine 429 retained).
Molecular consequence: synonymous variant.
Genome position (GRCh38, 1-based): chr17:65,537,749, G>C on the plus strand (C>G on the coding strand, the complement: AXIN2 is on the minus strand). VCF-style: chr17-65537749-G-C. GRCh37 (hg19) VCF-style: chr17-63533867-G-C.
Other names: c.1287C>G, p.Gly429= (NM_001363813.1).
Identifiers: ClinVar variation 798739 (VCV000798739.9), dbSNP rs1454163044, ClinGen allele CA501691299.